The following is an entry in ClinVar:

ClinVar aggregate classification (germline): Uncertain significance. Review status: criteria provided, multiple submitters, no conflicts (2 of 4 stars). 2 submissions from 2 submitters: Uncertain significance (2). Last evaluated 2025-10-21.

Allele frequency attached by ClinVar (database versions not stated): gnomAD 0.00001; TOPMed 0.00001.
gnomAD v4.1: 6 of 1,614,046 alleles (0.00037%); highest among the groups gnomAD compares: Non-Finnish European, 0.00051%; no homozygotes.

Submissions (2):

Labcorp Genetics (formerly Invitae), Labcorp
Classification: Uncertain significance. Last evaluated: 2025-10-21. Review status: criteria provided, single submitter. Criteria: Invitae Variant Classification Sherloc (09022015). Collection method: clinical testing. Allele origin: germline.
Comment: This sequence change replaces glutamic acid, which is acidic and polar, with lysine, which is basic and polar, at codon 61 of the JAK2 protein (p.Glu61Lys). This variant is present in population databases (no rsID available, gnomAD 0.007%). This variant has not been reported in the literature in individuals affected with JAK2-related conditions. ClinVar contains an entry for this variant (Variation ID: 1723612). Invitae Evidence Modeling of protein sequence and biophysical properties (such as structural, functional, and spatial information, amino acid conservation, physicochemical variation, residue mobility, and thermodynamic stability) indicates that this missense variant is not expected to disrupt JAK2 protein function with a negative predictive value of 95%. In summary, the available evidence is currently insufficient to determine the role of this variant in disease. Therefore, it has been classified as a Variant of Uncertain Significance.

GeneDx
Classification: Uncertain significance. Last evaluated: 2022-05-12. Review status: criteria provided, single submitter. Criteria: GeneDx Variant Classification Process June 2021. Collection method: clinical testing. Allele origin: germline. Affected: yes.
Comment: Not observed at significant frequency in large population cohorts (gnomAD); In silico analysis supports that this missense variant does not alter protein structure/function; This variant is associated with the following publications: (PMID: 29685781, 27651169)

NM_004972.4(JAK2):c.181G>A (p.Glu61Lys)

Genes: INSL6 (insulin like 6; minus strand), JAK2 (Janus kinase 2; plus strand). Cytogenetic location: 9p24.1.
Variant type: single nucleotide variant.
Coding change: c.181G>A on transcript NM_004972.4 (MANE Select); coding-DNA position 181, G replaced by A.
Protein change: p.Glu61Lys; replaces glutamic acid 61 with lysine.
Molecular consequence: missense variant. On other transcripts: 5 prime UTR variant (2), non-coding transcript variant (2).
Genome position (GRCh38, 1-based): chr9:5,022,168, G>A. VCF-style: chr9-5022168-G-A. GRCh37 (hg19) VCF-style: chr9-5022168-G-A.
Other names: c.181G>A, p.Glu61Lys (NM_001322194.2, NM_001322195.2, NM_001322196.2); c.-940G>A (NM_001322198.2, NM_001322199.2); short protein forms E61K.
Identifiers: ClinVar variation 1723612 (VCV001723612.3), dbSNP rs1439413818, ClinGen allele CA372819889.